The following is an entry in ClinVar:

NM_006445.4(PRPF8):c.5849C>A (p.Ala1950Glu)

Gene: PRPF8 (pre-mRNA processing factor 8; minus strand). Cytogenetic location: 17p13.3.
Variant type: single nucleotide variant.
Coding change: c.5849C>A on transcript NM_006445.4 (MANE Select); coding-DNA position 5849, C replaced by A.
Protein change: p.Ala1950Glu; replaces alanine 1950 with glutamic acid.
Molecular consequence: missense variant.
Genome position (GRCh38, 1-based): chr17:1,655,488, G>T on the plus strand (C>A on the coding strand, the complement: PRPF8 is on the minus strand). VCF-style: chr17-1655488-G-T. GRCh37 (hg19) VCF-style: chr17-1558782-G-T.
Other names: short protein forms A1950E.
Identifiers: ClinVar variation 1715164 (VCV001715164.6), dbSNP rs1911319119, ClinGen allele CA397569629.

ClinVar aggregate classification (germline): Uncertain significance (1 of 4 stars; one submission).

Submission:

Labcorp Genetics (formerly Invitae), Labcorp
Classification: Uncertain significance. Last evaluated: 2022-08-05. Review status: criteria provided, single submitter. Criteria: Invitae Variant Classification Sherloc (09022015). Collection method: clinical testing. Allele origin: germline.
Comment: In summary, the available evidence is currently insufficient to determine the role of this variant in disease. Therefore, it has been classified as a Variant of Uncertain Significance. Algorithms developed to predict the effect of missense changes on protein structure and function are either unavailable or do not agree on the potential impact of this missense change (SIFT: "Deleterious"; PolyPhen-2: "Possibly Damaging"; Align-GVGD: "Class C0"). This variant has not been reported in the literature in individuals affected with PRPF8-related conditions. This variant is not present in population databases (gnomAD no frequency). This sequence change replaces alanine, which is neutral and non-polar, with glutamic acid, which is acidic and polar, at codon 1950 of the PRPF8 protein (p.Ala1950Glu).